The following is an entry in ClinVar:

NM_001242.5(CD27):c.206T>C (p.Val69Ala)

Genes: CD27 (CD27 molecule; plus strand), CD27-AS1 (CD27 antisense RNA 1; minus strand). Cytogenetic location: 12p13.31.
Variant type: single nucleotide variant.
Coding change: c.206T>C on transcript NM_001242.5 (MANE Select); coding-DNA position 206, T replaced by C.
Protein change: p.Val69Ala; replaces valine 69 with alanine.
Molecular consequence: missense variant.
Genome position (GRCh38, 1-based): chr12:6,445,493, T>C. VCF-style: chr12-6445493-T-C. GRCh37 (hg19) VCF-style: chr12-6554659-T-C.
Other names: short protein forms V69A.
Identifiers: ClinVar variation 655342 (VCV000655342.7), dbSNP rs749266346, ClinGen allele CA6406903.

ClinVar aggregate classification (germline): Uncertain significance. Review status: criteria provided, multiple submitters, no conflicts (2 of 4 stars). 2 submissions from 2 submitters: Uncertain significance (2). Last evaluated 2021-08-27.

Conditions:
Lymphoproliferative syndrome 2 (LPFS2). Also called: CD27 DEFICIENCY; Combined immunodeficiency due to CD27 deficiency. Identifiers: Orphanet 238505, MedGen C3554540, MONDO:0014054, OMIM 615122.

Allele frequency attached by ClinVar (database versions not stated): gnomAD 0.00001; TOPMed 0.00001.
gnomAD v4.1: 11 of 1,613,778 alleles (0.00068%); highest among the groups gnomAD compares: Middle Eastern, 0.049%; no homozygotes.

Submissions (2):

Labcorp Genetics (formerly Invitae), Labcorp
Classification: Uncertain significance for Lymphoproliferative syndrome 2. Last evaluated: 2021-08-27. Review status: criteria provided, single submitter. Criteria: Invitae Variant Classification Sherloc (09022015). Collection method: clinical testing. Allele origin: germline.
Comment: This sequence change replaces valine with alanine at codon 69 of the CD27 protein (p.Val69Ala). The valine residue is moderately conserved and there is a small physicochemical difference between valine and alanine. This variant is present in population databases (rs749266346, ExAC 0.002%). This variant has not been reported in the literature in individuals affected with CD27-related conditions. Algorithms developed to predict the effect of missense changes on protein structure and function output the following: SIFT: "Tolerated"; PolyPhen-2: "Benign"; Align-GVGD: "Class C0". The alanine amino acid residue is found in multiple mammalian species, which suggests that this missense change does not adversely affect protein function. In summary, the available evidence is currently insufficient to determine the role of this variant in disease. Therefore, it has been classified as a Variant of Uncertain Significance.

Breakthrough Genomics
Classification: Uncertain significance. Review status: criteria provided, single submitter. Criteria: ACMG Guidelines, 2015. Collection method: not provided. Allele origin: germline. Inheritance: Autosomal recessive inheritance. Affected: yes.